The following is an entry in ClinVar:

ClinVar aggregate classification (germline): Uncertain significance (1 of 4 stars; one submission).

Conditions:
Retinoblastoma (RB1). Also called: RETINOBLASTOMA, SOMATIC. Identifiers: Orphanet 790, MedGen C0035335, MeSH D012175, MONDO:0008380, OMIM 180200, HP:0009919. Disease mechanism: loss of function. Inheritance: Both sporadic and heritable forms are tested..

gnomAD v4.1: 1 of 1,437,960 alleles (0.00007%); highest among the groups gnomAD compares: Non-Finnish European, 0.000092%; no homozygotes.

Submission:

Labcorp Genetics (formerly Invitae), Labcorp
Classification: Uncertain significance for Retinoblastoma. Last evaluated: 2024-02-12. Review status: criteria provided, single submitter. Criteria: Invitae Variant Classification Sherloc (09022015). Collection method: clinical testing. Allele origin: germline.
Comment: This variant occurs in a non-coding region of the RB1 gene. It does not change the encoded amino acid sequence of the RB1 protein. This variant is not present in population databases (gnomAD no frequency). This variant has not been reported in the literature in individuals affected with RB1-related conditions. In summary, the available evidence is currently insufficient to determine the role of this variant in disease. Therefore, it has been classified as a Variant of Uncertain Significance.

NM_000321.3(RB1):c.-101A>G

Gene: RB1 (RB transcriptional corepressor 1; plus strand). Cytogenetic location: 13q14.2.
Variant type: single nucleotide variant.
Coding change: c.-101A>G on transcript NM_000321.3 (MANE Select); 101 bases upstream of the start codon, A replaced by G.
Molecular consequence: 5 prime UTR variant.
Genome position (GRCh38, 1-based): chr13:48,303,812, A>G. VCF-style: chr13-48303812-A-G. GRCh37 (hg19) VCF-style: chr13-48877948-A-G.
Other names: c.-101A>G (NM_001407165.1, NM_001407166.1, NM_001407167.1).
Identifiers: ClinVar variation 3640271 (VCV003640271.2).